The following is an entry in ClinVar:

ClinVar aggregate classification (germline): Uncertain significance. Review status: criteria provided, multiple submitters, no conflicts (2 of 4 stars). 3 submissions from 3 submitters: Uncertain significance (3). Last evaluated 2025-09-16.

Conditions:
Hereditary cancer-predisposing syndrome. Also called: Tumor predisposition; Neoplastic Syndromes, Hereditary; Hereditary Cancer Syndrome; Hereditary neoplastic syndrome. Identifiers: Orphanet 140162, MedGen C0027672, MeSH D009386, MONDO:0015356.
Neuroblastoma, susceptibility to, 3. Also called: ALK-Related Neuroblastic Tumor Susceptibility. Identifiers: Orphanet 635, MedGen C2751681, MONDO:0013083, OMIM 613014.

Allele frequency attached by ClinVar (database versions not stated): gnomAD 0.00001; TOPMed 0.00002.
gnomAD v4.1: 10 of 1,614,096 alleles (0.00062%); highest among the groups gnomAD compares: African/African-American, 0.004%; no homozygotes.

Submissions (3):

Labcorp Genetics (formerly Invitae), Labcorp
Classification: Uncertain significance for Neuroblastoma, susceptibility to, 3. Last evaluated: 2025-09-16. Review status: criteria provided, single submitter. Criteria: Invitae Variant Classification Sherloc (09022015). Collection method: clinical testing. Allele origin: germline.
Comment: This sequence change replaces alanine, which is neutral and non-polar, with threonine, which is neutral and polar, at codon 877 of the ALK protein (p.Ala877Thr). This variant is present in population databases (rs746442213, gnomAD 0.004%). This variant has not been reported in the literature in individuals affected with ALK-related conditions. ClinVar contains an entry for this variant (Variation ID: 404362). An algorithm developed to predict the effect of missense changes on protein structure and function (PolyPhen-2) suggests that this variant is likely to be disruptive. In summary, the available evidence is currently insufficient to determine the role of this variant in disease. Therefore, it has been classified as a Variant of Uncertain Significance.

Ambry Genetics
Classification: Uncertain significance for Hereditary cancer-predisposing syndrome. Last evaluated: 2025-03-25. Review status: criteria provided, single submitter. Criteria: Ambry Variant Classification Scheme 2023. Collection method: clinical testing. Allele origin: germline.
Comment: The p.A877T variant (also known as c.2629G>A), located in coding exon 15 of the ALK gene, results from a G to A substitution at nucleotide position 2629. The alanine at codon 877 is replaced by threonine, an amino acid with similar properties. This amino acid position is highly conserved in available vertebrate species. In addition, this alteration is predicted to be tolerated by in silico analysis. Based on the available evidence, the clinical significance of this variant remains unclear.

Baylor Genetics
Classification: Uncertain significance for Neuroblastoma, susceptibility to, 3. Last evaluated: 2023-06-18. Review status: criteria provided, single submitter. Criteria: ACMG Guidelines, 2015. Collection method: clinical testing. Allele origin: unknown.

NM_004304.5(ALK):c.2629G>A (p.Ala877Thr)

Gene: ALK (ALK receptor tyrosine kinase; minus strand). Cytogenetic location: 2p23.2.
Variant type: single nucleotide variant.
Coding change: c.2629G>A on transcript NM_004304.5 (MANE Select); coding-DNA position 2629, G replaced by A.
Protein change: p.Ala877Thr; replaces alanine 877 with threonine.
Molecular consequence: missense variant.
Genome position (GRCh38, 1-based): chr2:29,232,307, C>T on the plus strand (G>A on the coding strand, the complement: ALK is on the minus strand). VCF-style: chr2-29232307-C-T. GRCh37 (hg19) VCF-style: chr2-29455173-C-T.
Other names: short protein forms A877T.
Identifiers: ClinVar variation 404362 (VCV000404362.10), dbSNP rs746442213, ClinGen allele CA1594250.